The following is an entry in ClinVar:

ClinVar aggregate classification (germline): Benign/Likely benign. Review status: criteria provided, multiple submitters, no conflicts (2 of 4 stars). 7 submissions from 7 submitters: Benign (2); Likely benign (4). 1 of the submissions does not count toward it. Last evaluated 2026-07-01.

Conditions:
RUNX2-related disorder. Also called: RUNX2-related condition.
Cleidocranial dysostosis (CLCD1). Also called: Marie-Sainton disease; Cleidocranial Dysplasia Spectrum Disorder; cleidocranial dysplasia 1. Identifiers: Orphanet 1452, MedGen C0008928, MONDO:0007340, OMIM 119600.

Allele frequency attached by ClinVar (database versions not stated): gnomAD exomes 0.00040 and 0.00132; ExAC 0.00142; 1000 Genomes Project 0.00419; 1000 Genomes Project 30x 0.00437; gnomAD 0.00463 and 0.00499; TOPMed 0.00516; ESP Exome Variant Server 0.00561.
gnomAD v4.1: 1,336 of 1,611,610 alleles (0.083%); highest among the groups gnomAD compares: African/African-American, 1.5%; 7 homozygotes.

Submissions (7):

CeGaT Center for Human Genetics Tuebingen
Classification: Likely benign. Last evaluated: 2026-07-01. Review status: criteria provided, single submitter. Criteria: CeGaT Center For Human Genetics Tuebingen Variant Classification Criteria Version 2. Collection method: clinical testing. Allele origin: germline. Affected: yes. Observed: 1 variant allele.
Comment: RUNX2: BP4, BP7, BS1

Labcorp Genetics (formerly Invitae), Labcorp
Classification: Benign. Last evaluated: 2026-01-24. Review status: criteria provided, single submitter. Criteria: Invitae Variant Classification Sherloc (09022015). Collection method: clinical testing. Allele origin: germline.

Blueprint Genetics
Classification: Likely benign. Last evaluated: 2024-09-23. Review status: criteria provided, single submitter. Criteria: ACMG Guidelines, 2015. Collection method: clinical testing. Allele origin: germline.

GeneDx
Classification: Likely benign. Last evaluated: 2021-06-14. Review status: criteria provided, single submitter. Criteria: GeneDx Variant Classification Process June 2021. Collection method: clinical testing. Allele origin: germline. Affected: yes.

Illumina Laboratory Services, Illumina
Classification: Benign for Cleidocranial dysostosis. Last evaluated: 2018-01-12. Review status: criteria provided, single submitter. Criteria: ICSL Variant Classification Criteria 13 December 2019. Collection method: clinical testing. Allele origin: germline.
Comment: This variant was observed in the ICSL laboratory as part of a predisposition screen in an ostensibly healthy population. It had not been previously curated by ICSL or reported in the Human Gene Mutation Database (HGMD: prior to June 1st, 2018), and was therefore a candidate for classification through an automated scoring system. Utilizing variant allele frequency, disease prevalence and penetrance estimates, and inheritance mode, an automated score was calculated to assess if this variant is too frequent to cause the disease. Based on the score and internal cut-off values, a variant classified as benign is not then subjected to further curation. The score for this variant resulted in a classification of benign for this disease.

Breakthrough Genomics
Classification: Likely benign. Review status: criteria provided, single submitter. Criteria: ACMG Guidelines, 2015. Collection method: not provided. Allele origin: germline. Inheritance: Autosomal dominant inheritance. Affected: yes.

PreventionGenetics, part of Exact Sciences
Classification: Benign for RUNX2-related condition. Last evaluated: 2024-08-14. Review status: no assertion criteria provided. Collection method: clinical testing. Allele origin: germline. Not counted in ClinVar's aggregate classification.
Comment: This variant is classified as benign based on ACMG/AMP sequence variant interpretation guidelines (Richards et al. 2015 PMID: 25741868, with internal and published modifications).

NM_001024630.4(RUNX2):c.663A>G (p.Val221=)

Gene: RUNX2 (RUNX family transcription factor 2; plus strand). Cytogenetic location: 6p21.1.
Variant type: single nucleotide variant.
Coding change: c.663A>G on transcript NM_001024630.4 (MANE Select); coding-DNA position 663, A replaced by G.
Protein change: p.Val221=; no amino-acid change (valine 221 retained).
Molecular consequence: synonymous variant.
Genome position (GRCh38, 1-based): chr6:45,438,029, A>G. VCF-style: chr6-45438029-A-G. GRCh37 (hg19) VCF-style: chr6-45405766-A-G.
Other names: c.663A>G, p.Val221= (NM_001015051.4); c.621A>G, p.Val207= (NM_001278478.2, NM_001369405.1).
Identifiers: ClinVar variation 357092 (VCV000357092.19), dbSNP rs115763613, ClinGen allele CA3836453.